The following is an entry in ClinVar:

NM_001556.3(IKBKB):c.712A>C (p.Lys238Gln)

Gene: IKBKB (inhibitor of nuclear factor kappa B kinase subunit beta; plus strand). Cytogenetic location: 8p11.21.
Variant type: single nucleotide variant.
Coding change: c.712A>C on transcript NM_001556.3 (MANE Select); coding-DNA position 712, A replaced by C.
Protein change: p.Lys238Gln; replaces lysine 238 with glutamine.
Molecular consequence: missense variant. On other transcripts: non-coding transcript variant (3).
Genome position (GRCh38, 1-based): chr8:42,314,341, A>C. VCF-style: chr8-42314341-A-C. GRCh37 (hg19) VCF-style: chr8-42171859-A-C.
Other names: c.520A>C, p.Lys174Gln (NM_001190720.3); c.535A>C, p.Lys179Gln (NM_001242778.2); short protein forms K174Q, K179Q, K238Q.
Identifiers: ClinVar variation 2852104 (VCV002852104.3), dbSNP rs2487617406, ClinGen allele CA371083046.
Genomic context (GRCh38, chr8:42,314,341, plus strand): 5'-TAGCAACGTGTGACTGCACCTAACAAGATTCATATTTGCAGGCATTCAAAAGTGCGGCAG[A>C]AGAGTGAGGTGGACATTGTTGTTAGCGAAGACTTGAATGGAACGGTGAAGTTTTCAAGCT-3'
Protein context (NP_001547.1, residues 228-248): PVQWHSKVRQ[Lys238Gln]SEVDIVVSED

ClinVar aggregate classification (germline): Uncertain significance (1 of 4 stars; one submission).

Conditions:
Severe combined immunodeficiency due to IKK2 deficiency. Also called: Immunodeficiency 15; IMMUNODEFICIENCY 15B. Identifiers: Orphanet 397787, MedGen C4747743, MONDO:0014267, OMIM 615592.

Submission:

Labcorp Genetics (formerly Invitae), Labcorp
Classification: Uncertain significance for Severe combined immunodeficiency due to IKK2 deficiency. Last evaluated: 2023-04-12. Review status: criteria provided, single submitter. Criteria: Invitae Variant Classification Sherloc (09022015). Collection method: clinical testing. Allele origin: germline.
Comment: In summary, the available evidence is currently insufficient to determine the role of this variant in disease. Therefore, it has been classified as a Variant of Uncertain Significance. Advanced modeling of protein sequence and biophysical properties (such as structural, functional, and spatial information, amino acid conservation, physicochemical variation, residue mobility, and thermodynamic stability) performed at Invitae indicates that this missense variant is not expected to disrupt IKBKB protein function. This variant has not been reported in the literature in individuals affected with IKBKB-related conditions. This variant is not present in population databases (gnomAD no frequency). This sequence change replaces lysine, which is basic and polar, with glutamine, which is neutral and polar, at codon 238 of the IKBKB protein (p.Lys238Gln).